The following is an entry in ClinVar:

NM_006063.3(KLHL41):c.994C>A (p.Gln332Lys)

Gene: KLHL41 (kelch like family member 41; plus strand). Cytogenetic location: 2q31.1.
Variant type: single nucleotide variant.
Coding change: c.994C>A on transcript NM_006063.3 (MANE Select); coding-DNA position 994, C replaced by A.
Protein change: p.Gln332Lys; replaces glutamine 332 with lysine.
Molecular consequence: missense variant.
Genome position (GRCh38, 1-based): chr2:169,510,772, C>A. VCF-style: chr2-169510772-C-A. GRCh37 (hg19) VCF-style: chr2-170367282-C-A.
Other names: short protein forms Q332K.
Identifiers: ClinVar variation 847721 (VCV000847721.9), dbSNP rs756595110, ClinGen allele CA59943857.

ClinVar aggregate classification (germline): Uncertain significance (1 of 4 stars; one submission).

Conditions:
Nemaline myopathy 9 (NEM9). Identifiers: MedGen C3810384, MONDO:0014326, OMIM 615731.

Allele frequency attached by ClinVar (database versions not stated): gnomAD 0.00001; gnomAD exomes 0.00002.
gnomAD v4.1: 10 of 1,614,016 alleles (0.00062%); highest among the groups gnomAD compares: Non-Finnish European, 0.00076%; no homozygotes.

Submission:

Labcorp Genetics (formerly Invitae), Labcorp
Classification: Uncertain significance for Nemaline myopathy 9. Last evaluated: 2022-09-27. Review status: criteria provided, single submitter. Criteria: Invitae Variant Classification Sherloc (09022015). Collection method: clinical testing. Allele origin: germline.
Comment: Algorithms developed to predict the effect of missense changes on protein structure and function are either unavailable or do not agree on the potential impact of this missense change (SIFT: "Deleterious"; PolyPhen-2: "Benign"; Align-GVGD: "Class C45"). ClinVar contains an entry for this variant (Variation ID: 847721). This variant has not been reported in the literature in individuals affected with KLHL41-related conditions. This variant is present in population databases (rs756595110, gnomAD 0.004%). This sequence change replaces glutamine, which is neutral and polar, with lysine, which is basic and polar, at codon 332 of the KLHL41 protein (p.Gln332Lys). In summary, the available evidence is currently insufficient to determine the role of this variant in disease. Therefore, it has been classified as a Variant of Uncertain Significance.